The following is an entry in ClinVar:

ClinVar aggregate classification (germline): Uncertain significance (1 of 4 stars; one submission).

Conditions:
Hereditary cancer-predisposing syndrome. Also called: Neoplastic Syndromes, Hereditary; Tumor predisposition; Hereditary neoplastic syndrome; Hereditary Cancer Syndrome. Identifiers: Orphanet 140162, MedGen C0027672, MeSH D009386, MONDO:0015356.

Submission:

Ambry Genetics
Classification: Uncertain significance for Hereditary cancer-predisposing syndrome. Last evaluated: 2026-08-15. Review status: criteria provided, single submitter. Criteria: Ambry Variant Classification Scheme 2023. Collection method: clinical testing. Allele origin: germline.
Comment: The p.D421H variant (also known as c.1261G>C), located in coding exon 13 of the RB1 gene, results from a G to C substitution at nucleotide position 1261. The aspartic acid at codon 421 is replaced by histidine, an amino acid with similar properties. This amino acid position is conserved. In addition, this alteration is predicted to be tolerated by in silico analysis. Based on the available evidence, the clinical significance of this variant remains unclear.

NM_000321.3(RB1):c.1261G>C (p.Asp421His)

Gene: RB1 (RB transcriptional corepressor 1; plus strand). Cytogenetic location: 13q14.2.
Variant type: single nucleotide variant.
Coding change: c.1261G>C on transcript NM_000321.3 (MANE Select); coding-DNA position 1261, G replaced by C.
Protein change: p.Asp421His; replaces aspartic acid 421 with histidine.
Molecular consequence: missense variant.
Genome position (GRCh38, 1-based): chr13:48,376,963, G>C. VCF-style: chr13-48376963-G-C. GRCh37 (hg19) VCF-style: chr13-48951099-G-C.
Other names: c.1261G>C, p.Asp421His (NM_001407165.1, NM_001407166.1); short protein forms D421H.
Identifiers: ClinVar variation 5027981 (VCV005027981.1).